The following is an entry in ClinVar:

NM_020921.4(NIN):c.6322G>A (p.Glu2108Lys)

Gene: NIN (ninein; minus strand). Cytogenetic location: 14q22.1.
Variant type: single nucleotide variant.
Coding change: c.6322G>A on transcript NM_020921.4 (MANE Select); coding-DNA position 6322, G replaced by A.
Protein change: p.Glu2108Lys; replaces glutamic acid 2108 with lysine.
Molecular consequence: missense variant.
Genome position (GRCh38, 1-based): chr14:50,723,543, C>T on the plus strand (G>A on the coding strand, the complement: NIN is on the minus strand). VCF-style: chr14-50723543-C-T. GRCh37 (hg19) VCF-style: chr14-51190261-C-T.
Other names: short protein forms E2108K.
Identifiers: ClinVar variation 3613326 (VCV003613326.2).

ClinVar aggregate classification (germline): Uncertain significance (1 of 4 stars; one submission).

gnomAD v4.1: 1 of 1,613,862 alleles (0.000062%); highest among the groups gnomAD compares: Admixed American, 0.0017%; no homozygotes.

Submission:

Labcorp Genetics (formerly Invitae), Labcorp
Classification: Uncertain significance. Last evaluated: 2024-04-30. Review status: criteria provided, single submitter. Criteria: Invitae Variant Classification Sherloc (09022015). Collection method: clinical testing. Allele origin: germline.
Comment: This sequence change replaces glutamic acid, which is acidic and polar, with lysine, which is basic and polar, at codon 2108 of the NIN protein (p.Glu2108Lys). This variant is present in population databases (rs746121172, gnomAD 0.0009%). This variant has not been reported in the literature in individuals affected with NIN-related conditions. An algorithm developed to predict the effect of missense changes on protein structure and function (PolyPhen-2) suggests that this variant is likely to be disruptive. In summary, the available evidence is currently insufficient to determine the role of this variant in disease. Therefore, it has been classified as a Variant of Uncertain Significance.